The following is an entry in ClinVar:

NM_000206.3(IL2RG):c.1098_1099delinsTT (p.Lys366_Pro367delinsAsnSer)

Gene: IL2RG (interleukin 2 receptor subunit gamma; minus strand). Cytogenetic location: Xq13.1.
Variant type: Indel.
Coding change: c.1098_1099delinsTT on transcript NM_000206.3 (MANE Select); coding-DNA positions 1098 to 1099, GC replaced by TT.
Protein change: p.Lys366_Pro367delinsAsnSer.
Molecular consequence: missense variant.
Genome position (GRCh38, 1-based): chrX:71,107,747-71,107,748, GC replaced by AA on the plus strand (GC replaced by TT on the coding strand, the reverse complement: IL2RG is on the minus strand). VCF-style: chrX-71107747-GC-AA. GRCh37 (hg19) VCF-style: chrX-70327597-GC-AA.
Identifiers: ClinVar variation 1392048 (VCV001392048.5), dbSNP rs2147745662, ClinGen allele CA2573159579.

ClinVar aggregate classification (germline): Uncertain significance (1 of 4 stars; one submission).

Conditions:
X-linked severe combined immunodeficiency (SCIDX1). Also called: IMMUNODEFICIENCY 4; SCID, X-LINKED; SEVERE COMBINED IMMUNODEFICIENCY, X-LINKED, T CELL-NEGATIVE, B CELL-POSITIVE, NK CELL-NEGATIVE; T-B+ severe combined immunodeficiency due to gamma chain deficiency; X-Linked Combined Immunodeficiency Diseases. Identifiers: Orphanet 276, MedGen C6022468, MONDO:0010315, OMIM 300400. Disease mechanism: loss of function.

Submission:

Labcorp Genetics (formerly Invitae), Labcorp
Classification: Uncertain significance for X-linked severe combined immunodeficiency. Last evaluated: 2021-10-14. Review status: criteria provided, single submitter. Criteria: Invitae Variant Classification Sherloc (09022015). Collection method: clinical testing. Allele origin: germline.
Comment: This variant, c.1098_1099delinsTT, is a complex sequence change that results in the deletion of 2 and insertion of 2 amino acid(s) in the IL2RG protein (p.Lys366_Pro367delinsAsnSer). The frequency data for this variant in the population databases is not available, as this variant may be reported as separate entries in the ExAC database. This variant has not been reported in the literature in individuals affected with IL2RG-related conditions. Experimental studies and prediction algorithms are not available or were not evaluated, and the functional significance of this variant is currently unknown. In summary, the available evidence is currently insufficient to determine the role of this variant in disease. Therefore, it has been classified as a Variant of Uncertain Significance.